The following is an entry in ClinVar:

ClinVar aggregate classification (germline): Uncertain significance (1 of 4 stars; one submission).

Allele frequency attached by ClinVar (database versions not stated): gnomAD 0.00001 and 0.00002; gnomAD exomes 0.00001 and 0.00002; ExAC 0.00002; TOPMed 0.00002.
gnomAD v4.1: 12 of 1,614,048 alleles (0.00074%); highest among the groups gnomAD compares: Admixed American, 0.005%; no homozygotes.

Submission:

Labcorp Genetics (formerly Invitae), Labcorp
Classification: Uncertain significance. Last evaluated: 2021-06-21. Review status: criteria provided, single submitter. Criteria: Invitae Variant Classification Sherloc (09022015). Collection method: clinical testing. Allele origin: germline.
Comment: This sequence change replaces glutamic acid with lysine at codon 478 of the ZNF335 protein (p.Glu478Lys). The glutamic acid residue is highly conserved and there is a small physicochemical difference between glutamic acid and lysine. This variant is present in population databases (rs759215916, ExAC 0.02%). This variant has not been reported in the literature in individuals with ZNF335-related conditions. Algorithms developed to predict the effect of missense changes on protein structure and function are either unavailable or do not agree on the potential impact of this missense change (SIFT: "Deleterious"; PolyPhen-2: "Possibly Damaging"; Align-GVGD: "Class C15"). In summary, the available evidence is currently insufficient to determine the role of this variant in disease. Therefore, it has been classified as a Variant of Uncertain Significance.

NM_022095.4(ZNF335):c.1432G>A (p.Glu478Lys)

Gene: ZNF335 (zinc finger protein 335; minus strand). Cytogenetic location: 20q13.12.
Variant type: single nucleotide variant.
Coding change: c.1432G>A on transcript NM_022095.4 (MANE Select); coding-DNA position 1432, G replaced by A.
Protein change: p.Glu478Lys; replaces glutamic acid 478 with lysine.
Molecular consequence: missense variant.
Genome position (GRCh38, 1-based): chr20:45,963,574, C>T on the plus strand (G>A on the coding strand, the complement: ZNF335 is on the minus strand). VCF-style: chr20-45963574-C-T. GRCh37 (hg19) VCF-style: chr20-44592213-C-T.
Other names: short protein forms E478K.
Identifiers: ClinVar variation 1472361 (VCV001472361.8), dbSNP rs759215916, ClinGen allele CA9885731.